The following is an entry in ClinVar:

NM_002645.4(PIK3C2A):c.1784C>G (p.Ala595Gly)

Gene: PIK3C2A (phosphatidylinositol-4-phosphate 3-kinase catalytic subunit type 2 alpha; minus strand). Cytogenetic location: 11p15.1.
Variant type: single nucleotide variant.
Coding change: c.1784C>G on transcript NM_002645.4 (MANE Select); coding-DNA position 1784, C replaced by G.
Protein change: p.Ala595Gly; replaces alanine 595 with glycine.
Molecular consequence: missense variant.
Genome position (GRCh38, 1-based): chr11:17,136,546, G>C on the plus strand (C>G on the coding strand, the complement: PIK3C2A is on the minus strand). VCF-style: chr11-17136546-G-C. GRCh37 (hg19) VCF-style: chr11-17158093-G-C.
Other names: c.1784C>G, p.Ala595Gly (NM_001321378.2, NM_001386870.1); c.644C>G, p.Ala215Gly (NM_001321380.2); short protein forms A595G, A215G.
Identifiers: ClinVar variation 1050163 (VCV001050163.1), dbSNP rs2137395316, ClinGen allele CA379764699.
Genomic context (GRCh38, chr11:17,136,546, plus strand): 5'-GCAGTTTTACTCCTTGGAAGATTAACTGCTCTCTTTAGCTTCTTTACTGATTCTGTAATG[G>C]CAAGAGTCTCGACACCATCTAAAGCACTACAGATTTTTCTTACAGCTTTAATTACTTGAT-3'
Protein context (NP_002636.2, residues 585-605): CSALDGVETL[Ala595Gly]ITESVKKLKR

ClinVar aggregate classification (germline): Uncertain significance (0 of 4 stars; one submission).

Submission:

Department of Pathology and Laboratory Medicine, Sinai Health System
Classification: Uncertain significance. Review status: no assertion criteria provided. Collection method: clinical testing. Allele origin: unknown. Affected: yes. Study: The Canadian Open Genetics Repository (COGR).
Comment: The PIK3C2A p.Ala595Gly variant was not identified in the literature nor was it identified in dbSNP, ClinVar or in the following control databases: the 1000 Genomes Project, the NHLBI GO Exome Sequencing Project, or the Genome Aggregation Database (March 6, 2019, v2.1.1). The p.Ala595 residue is not conserved in mammals and four out of five computational analyses (PolyPhen-2, SIFT, AlignGVGD, BLOSUM, MutationTaster) do not suggest a high likelihood of impact to the protein; however, this information is not predictive enough to rule out pathogenicity. The variant occurs outside of the splicing consensus sequence and three of four in silico or computational prediction software programs (SpliceSiteFinder, MaxEntScan, NNSPLICE, GeneSplicer) do not predict a greater than 10% difference in splicing; this is not very predictive of pathogenicity. In summary, based on the above information the clinical significance of this variant cannot be determined with certainty at this time. This variant is classified as a variant of uncertain significance.